The following is an entry in ClinVar:

ClinVar aggregate classification (germline): Uncertain significance. Review status: criteria provided, multiple submitters, no conflicts (2 of 4 stars). 2 submissions from 2 submitters: Uncertain significance (2). Last evaluated 2024-11-26.

Conditions:
ATP11A-related disorder. Also called: ATP11A-related condition.
Inborn genetic diseases. Identifiers: MedGen C0950123, MeSH D030342.

Allele frequency attached by ClinVar (database versions not stated): 1000 Genomes Project 30x 0.00031; gnomAD exomes 0.00001; ExAC 0.00002; gnomAD 0.00002; 1000 Genomes Project 0.00020.
gnomAD v4.1: 9 of 1,367,704 alleles (0.00066%); highest among the groups gnomAD compares: Middle Eastern, 0.021%; no homozygotes.

Submissions (2):

PreventionGenetics, part of Exact Sciences
Classification: Uncertain significance for ATP11A-related condition. Last evaluated: 2024-11-26. Review status: criteria provided, single submitter. Criteria: ACMG Guidelines, 2015. Collection method: clinical testing. Allele origin: germline.
Comment: The ATP11A c.3557G>A variant is predicted to result in the amino acid substitution p.Arg1186His. To our knowledge, this variant has not been reported in the literature. This variant is reported in 0.0056% of alleles in individuals of Latino descent in gnomAD. At this time, the clinical significance of this variant is uncertain due to the absence of conclusive functional and genetic evidence.

Ambry Genetics
Classification: Uncertain significance for Inborn genetic diseases. Last evaluated: 2021-10-14. Review status: criteria provided, single submitter. Criteria: Ambry Variant Classification Scheme 2023. Collection method: clinical testing. Allele origin: germline.

NM_015205.3(ATP11A):c.*179G>A

Gene: ATP11A (ATPase phospholipid transporting 11A; plus strand). Cytogenetic location: 13q34.
Variant type: single nucleotide variant.
Coding change: c.*179G>A on transcript NM_015205.3 (MANE Select); 179 bases downstream of the stop codon, G replaced by A.
Molecular consequence: 3 prime UTR variant. On other transcripts: missense variant (3).
Genome position (GRCh38, 1-based): chr13:112,882,045, G>A. VCF-style: chr13-112882045-G-A. GRCh37 (hg19) VCF-style: chr13-113536359-G-A.
Other names: c.3560G>A, p.Arg1187His (NM_001405661.1); c.3497G>A, p.Arg1166His (NM_001405662.1); c.*181G>A (NM_001405663.1); c.3557G>A, p.Arg1186His (NM_032189.4); short protein forms R1186H, R1166H, R1187H.
Identifiers: ClinVar variation 2349777 (VCV002349777.3), dbSNP rs563595559, ClinGen allele CA7057694.
Genomic context (GRCh38, chr13:112,882,045, plus strand): 5'-TCCTCGGCGGTTCCCATCACCACTGCAGTTCCATCCCAAGTCACAGCTGCCCTAGGTCCC[G>A]TGTGGGAATGCTCGTGTGATGGATGGTCCTAAGCCTGTGGAGACTGTGCACGTGCCTCTT-3'